The following is an entry in ClinVar:

ClinVar aggregate classification (germline): Uncertain significance. Review status: criteria provided, multiple submitters, no conflicts (2 of 4 stars). 2 submissions from 2 submitters: Uncertain significance (2). Last evaluated 2024-11-27.

Conditions:
Leigh syndrome (NULS). Also called: Leigh's necrotizing encephalopathy; Leigh's disease; Leigh Syndrome (mtDNA deletion); Leigh Disease; Subacute necrotizing encephalopathy; Necrotizing encephalopathy infantile subacute of Leigh. Identifiers: Orphanet 506, MedGen C2931891, MONDO:0009723, OMIM 256000.

Allele frequency attached by ClinVar (database versions not stated): TOPMed 0.00001; gnomAD exomes 0.00009.
gnomAD v4.1: 131 of 1,613,904 alleles (0.0081%); highest among the groups gnomAD compares: Non-Finnish European, 0.01%; no homozygotes.

Submissions (2):

GeneDx
Classification: Uncertain significance. Last evaluated: 2024-11-27. Review status: criteria provided, single submitter. Criteria: GeneDx Variant Classification Process June 2021. Collection method: clinical testing. Allele origin: germline. Affected: yes.
Comment: Not observed at significant frequency in large population cohorts (gnomAD); In silico analysis supports that this missense variant has a deleterious effect on protein structure/function; Has not been previously published as pathogenic or benign to our knowledge

Labcorp Genetics (formerly Invitae), Labcorp
Classification: Uncertain significance for Leigh syndrome. Last evaluated: 2022-07-30. Review status: criteria provided, single submitter. Criteria: Invitae Variant Classification Sherloc (09022015). Collection method: clinical testing. Allele origin: germline.
Comment: This sequence change replaces alanine, which is neutral and non-polar, with threonine, which is neutral and polar, at codon 283 of the SURF1 protein (p.Ala283Thr). This variant is present in population databases (rs139025632, gnomAD 0.009%). This variant has not been reported in the literature in individuals affected with SURF1-related conditions. ClinVar contains an entry for this variant (Variation ID: 1410970). Algorithms developed to predict the effect of missense changes on protein structure and function are either unavailable or do not agree on the potential impact of this missense change (SIFT: "Tolerated"; PolyPhen-2: "Possibly Damaging"; Align-GVGD: "Class C0"). In summary, the available evidence is currently insufficient to determine the role of this variant in disease. Therefore, it has been classified as a Variant of Uncertain Significance.

NM_003172.4(SURF1):c.847G>A (p.Ala283Thr)

Gene: SURF1 (SURF1 cytochrome c oxidase assembly factor; minus strand). Cytogenetic location: 9q34.2.
Variant type: single nucleotide variant.
Coding change: c.847G>A on transcript NM_003172.4 (MANE Select); coding-DNA position 847, G replaced by A.
Protein change: p.Ala283Thr; replaces alanine 283 with threonine.
Molecular consequence: missense variant.
Genome position (GRCh38, 1-based): chr9:133,351,969, C>T on the plus strand (G>A on the coding strand, the complement: SURF1 is on the minus strand). VCF-style: chr9-133351969-C-T. GRCh37 (hg19) VCF-style: chr9-136218824-C-T.
Other names: c.847G>A (NM_003172.2); c.520G>A, p.Ala174Thr (NM_001280787.1); short protein forms A174T, A283T.
Identifiers: ClinVar variation 1410970 (VCV001410970.6), dbSNP rs139025632, ClinGen allele CA200831932.